The following is an entry in ClinVar:

NM_000051.4(ATM):c.375G>T (p.Met125Ile)

Gene: ATM (ATM serine/threonine kinase; plus strand). Cytogenetic location: 11q22.3.
Variant type: single nucleotide variant.
Coding change: c.375G>T on transcript NM_000051.4 (MANE Select); coding-DNA position 375, G replaced by T.
Protein change: p.Met125Ile; replaces methionine 125 with isoleucine.
Molecular consequence: missense variant.
Genome position (GRCh38, 1-based): chr11:108,235,713, G>T. VCF-style: chr11-108235713-G-T. GRCh37 (hg19) VCF-style: chr11-108106440-G-T.
Other names: c.375G>T, p.Met125Ile (NM_001351834.2); short protein forms M125I.
Identifiers: ClinVar variation 2765428 (VCV002765428.3), dbSNP rs1591474725, ClinGen allele CA382524774.

ClinVar aggregate classification (germline): Uncertain significance (1 of 4 stars; one submission).

Conditions:
Ataxia-telangiectasia syndrome (AT). Also called: Ataxia-telangiectasia, complementation group D; LOUIS-BAR SYNDROME; ATAXIA-TELANGIECTASIA, COMPLEMENTATION GROUP A; ATAXIA-TELANGIECTASIA, FRESNO VARIANT; Ataxia telangiectasia (A-T); Cerebello-oculocutaneous telangiectasia. Identifiers: Orphanet 100, MedGen C0004135, MONDO:0008840, OMIM 208900.

Submission:

Labcorp Genetics (formerly Invitae), Labcorp
Classification: Uncertain significance for Ataxia-telangiectasia syndrome. Last evaluated: 2023-06-04. Review status: criteria provided, single submitter. Criteria: Invitae Variant Classification Sherloc (09022015). Collection method: clinical testing. Allele origin: germline.
Comment: This sequence change replaces methionine, which is neutral and non-polar, with isoleucine, which is neutral and non-polar, at codon 125 of the ATM protein (p.Met125Ile). This variant is not present in population databases (gnomAD no frequency). This variant has not been reported in the literature in individuals affected with ATM-related conditions. Algorithms developed to predict the effect of missense changes on protein structure and function output the following: SIFT: "Not Available"; PolyPhen-2: "Benign"; Align-GVGD: "Not Available". The isoleucine amino acid residue is found in multiple mammalian species, which suggests that this missense change does not adversely affect protein function. In summary, the available evidence is currently insufficient to determine the role of this variant in disease. Therefore, it has been classified as a Variant of Uncertain Significance.